The following is an entry in ClinVar:

NM_001128840.3(CACNA1D):c.1704C>T (p.Cys568=)

Gene: CACNA1D (calcium voltage-gated channel subunit alpha1 D; plus strand). Cytogenetic location: 3p21.1.
Variant type: single nucleotide variant.
Coding change: c.1704C>T on transcript NM_001128840.3 (MANE Select); coding-DNA position 1704, C replaced by T.
Protein change: p.Cys568=; no amino-acid change (cysteine 568 retained).
Molecular consequence: synonymous variant.
Genome position (GRCh38, 1-based): chr3:53,723,471, C>T. VCF-style: chr3-53723471-C-T. GRCh37 (hg19) VCF-style: chr3-53757498-C-T.
Other names: c.1764C>T, p.Cys588= (NM_000720.4); c.1704C>T, p.Cys568= (NM_001128839.3); c.1764C>T (NM_000720.3).
Identifiers: ClinVar variation 2162206 (VCV002162206.5), dbSNP rs528723897, ClinGen allele CA2454061.
Genomic context (GRCh38, chr3:53,723,471, plus strand): 5'-TGGGTGCCCCTTTGTCTTTCCAGATATTGCCAACAAAGTCCTCTTGGCTCTGTTCACCTG[C>T]GAGATGCTGGTAAAAATGTACAGCTTGGGCCTCCAAGCATATTTCGTCTCTCTTTTCAAC-3'
Protein context (NP_001122312.1, residues 558-578): ANKVLLALFT[Cys568=]EMLVKMYSLG

ClinVar aggregate classification (germline): Likely benign. Review status: criteria provided, multiple submitters, no conflicts (2 of 4 stars). 2 submissions from 2 submitters: Likely benign (2). Last evaluated 2026-04-10.

Conditions:
CACNA1D-related disorder.

Allele frequency attached by ClinVar (database versions not stated): ExAC 0.00002; gnomAD 0.00003; TOPMed 0.00003; gnomAD exomes 0.00005.
gnomAD v4.1: 74 of 1,613,976 alleles (0.0046%); highest among the groups gnomAD compares: Non-Finnish European, 0.0058%; no homozygotes.

Submissions (2):

PreventionGenetics, part of Exact Sciences
Classification: Likely benign for CACNA1D-related condition. Last evaluated: 2026-04-10. Review status: criteria provided, single submitter. Criteria: ACMG Guidelines, 2015. Collection method: clinical testing. Allele origin: germline.
Comment: This variant is classified as likely benign based on ACMG/AMP sequence variant interpretation guidelines (Richards et al. 2015 PMID: 25741868, with internal and published modifications).

Labcorp Genetics (formerly Invitae), Labcorp
Classification: Likely benign. Last evaluated: 2025-01-21. Review status: criteria provided, single submitter. Criteria: Invitae Variant Classification Sherloc (09022015). Collection method: clinical testing. Allele origin: germline.